The following is an entry in ClinVar:

NM_000441.2(SLC26A4):c.572C>T (p.Ala191Val)

Gene: SLC26A4 (solute carrier family 26 member 4; plus strand). Cytogenetic location: 7q22.3.
Variant type: single nucleotide variant.
Coding change: c.572C>T on transcript NM_000441.2 (MANE Select); coding-DNA position 572, C replaced by T.
Protein change: p.Ala191Val; replaces alanine 191 with valine.
Molecular consequence: missense variant.
Genome position (GRCh38, 1-based): chr7:107,674,320, C>T. VCF-style: chr7-107674320-C-T. GRCh37 (hg19) VCF-style: chr7-107314765-C-T.
Other names: short protein forms A191V.
Identifiers: ClinVar variation 43561 (VCV000043561.14), dbSNP rs372875358, ClinGen allele CA132734.
Genomic context (GRCh38, chr7:107,674,320, plus strand): 5'-TAAATACTACTATGATAGACACTGCAGCTAGAGATACAGCTAGAGTCCTGATTGCCAGTG[C>T]CCTGACTCTGCTGGTTGGAATTATACAGGTAATGAACTTACAAGTAAAATATAGATGGAT-3'
Protein context (NP_000432.1, residues 181-201): RDTARVLIAS[Ala191Val]LTLLVGIIQL

ClinVar aggregate classification (germline): Conflicting classifications of pathogenicity. Review status: criteria provided, conflicting classifications (1 of 4 stars). 5 submissions from 5 submitters: Likely pathogenic (1); Uncertain significance (3). 1 of the submissions does not count toward it. Last evaluated 2025-09-30.

Conditions:
Pendred syndrome (PDS). Also called: Pendred's syndrome; THYROID DYSHORMONOGENESIS 2B; THYROID HORMONOGENESIS, GENETIC DEFECT IN, 2B; Pendred Syndrome (PDS); DEAFNESS WITH GOITER; GOITER-DEAFNESS SYNDROME. Identifiers: Orphanet 705, MedGen C0271829, MONDO:0010134, OMIM 274600.

Allele frequency attached by ClinVar (database versions not stated): gnomAD exomes 0.00001 and 0.00002; ExAC 0.00002; ESP Exome Variant Server 0.00008.
gnomAD v4.1: 13 of 1,613,376 alleles (0.00081%); highest among the groups gnomAD compares: South Asian, 0.013%; no homozygotes.

Submissions (5):

Myriad Genetics, Inc.
Classification: Uncertain significance for Pendred syndrome. Last evaluated: 2025-09-30. Review status: criteria provided, single submitter. Criteria: Myriad Autosomal Dominant, Autosomal Recessive and X-Linked Classification Criteria (2023). Collection method: clinical testing. Allele origin: unknown.
Comment: NM_000441.1(SLC26A4):c.572C>T(A191V) is a missense variant classified as a variant of uncertain significance in the context of Pendred syndrome. A191V has not been observed in cases with relevant disease. Relevant functional assessments of this variant are not available in the literature. A191V has been observed in referenced population frequency databases. In summary, there is insufficient evidence to classify NM_000441.1(SLC26A4):c.572C>T(A191V) as pathogenic or benign. Please note: this variant was assessed in the context of healthy population screening.

GeneDx
Classification: Uncertain significance. Last evaluated: 2025-08-07. Review status: criteria provided, single submitter. Criteria: GeneDx Variant Classification Process June 2021. Collection method: clinical testing. Allele origin: germline. Affected: yes.
Comment: In silico analysis suggests that this missense variant does not alter protein structure/function; Has not been previously published as pathogenic or benign to our knowledge

Labcorp Genetics (formerly Invitae), Labcorp
Classification: Likely pathogenic. Last evaluated: 2024-01-28. Review status: criteria provided, single submitter. Criteria: Invitae Variant Classification Sherloc (09022015). Collection method: clinical testing. Allele origin: germline.
Comment: This sequence change replaces alanine, which is neutral and non-polar, with valine, which is neutral and non-polar, at codon 191 of the SLC26A4 protein (p.Ala191Val). This variant is present in population databases (rs372875358, gnomAD 0.02%). This missense change has been observed in individual(s) with clinical features of Pendred syndrome (Invitae). In at least one individual the data is consistent with being in trans (on the opposite chromosome) from a pathogenic variant. It has also been observed to segregate with disease in related individuals. ClinVar contains an entry for this variant (Variation ID: 43561). Advanced modeling of protein sequence and biophysical properties (such as structural, functional, and spatial information, amino acid conservation, physicochemical variation, residue mobility, and thermodynamic stability) has been performed at Invitae for this missense variant, however the output from this modeling did not meet the statistical confidence thresholds required to predict the impact of this variant on SLC26A4 protein function. In summary, the currently available evidence indicates that the variant is pathogenic, but additional data are needed to prove that conclusively. Therefore, this variant has been classified as Likely Pathogenic.

Laboratory for Molecular Medicine, Mass General Brigham Personalized Medicine
Classification: Uncertain significance. Last evaluated: 2012-01-20. Review status: criteria provided, single submitter. Criteria: LMM Criteria. Collection method: clinical testing. Allele origin: germline. Observed: 1 variant allele.
Comment: Variant classified as Uncertain Significance - Favor Benign. The Ala191Val varia nt in SLC26A4 has not been reported in the literature nor previously identified by our laboratory. The variant has been identified in 0.0142% (1/7020) of Europe an American chromosomes by the NHBLI Exome sequencing project in a broad populat ion. This residue is not highly conserved in mammals or other species and computational analyses (biochemical amino acid prop erties, homology, PolyPhen2, AlignGVGD) do not suggest a high likelihood of impa ct to the protein. However, this information is not predictive enough to rule ou t pathogenicity. In summary, the clinical significance of this variant cannot be determined with certainty at this time; however, we would lean towards a more l ikely benign role based upon the lack of conservation of the amino acid residue.

Natera, Inc.
Classification: Uncertain significance for Pendred syndrome. Last evaluated: 2019-11-11. Review status: no assertion criteria provided. Collection method: clinical testing. Allele origin: germline. Not counted in ClinVar's aggregate classification.